The following is an entry in ClinVar:

ClinVar aggregate classification (germline): Uncertain significance (1 of 4 stars; one submission).

Conditions:
SEMA3G-related disorder. Also called: SEMA3G-related condition.

Submission:

PreventionGenetics, part of Exact Sciences
Classification: Uncertain significance for SEMA3G-related condition. Last evaluated: 2026-08-27. Review status: criteria provided, single submitter. Criteria: ACMG Guidelines, 2015. Collection method: clinical testing. Allele origin: germline.
Comment: The SEMA3G c.1246T>C variant is predicted to result in the amino acid substitution p.Trp416Arg. To our knowledge, this variant has not been reported in the literature or in a large population database (gnomAD), indicating this variant is rare. At this time, the clinical significance of this variant is uncertain due to the absence of conclusive functional and genetic evidence.

NM_020163.3(SEMA3G):c.1246T>C (p.Trp416Arg)

Gene: SEMA3G (semaphorin 3G; minus strand). Cytogenetic location: 3p21.1.
Variant type: single nucleotide variant.
Coding change: c.1246T>C on transcript NM_020163.3 (MANE Select); coding-DNA position 1246, T replaced by C.
Protein change: p.Trp416Arg; replaces tryptophan 416 with arginine.
Molecular consequence: missense variant.
Genome position (GRCh38, 1-based): chr3:52,439,996, A>G on the plus strand (T>C on the coding strand, the complement: SEMA3G is on the minus strand). VCF-style: chr3-52439996-A-G. GRCh37 (hg19) VCF-style: chr3-52474012-A-G.
Other names: short protein forms W416R.
Identifiers: ClinVar variation 4999635 (VCV004999635.1).
Genomic context (GRCh38, chr3:52,439,996, plus strand): 5'-GCTGCTGGGCCAGGTGGGTCTTGACAAGGACAGGGCGGCCATGTCGAGGCCGCACAGGCC[A>G]GAACATGAGGGGGTGGGCTCGGGCAAACTGCAGCACCTCATCTGGGTAGTCCTTGGTGCT-3'
Protein context (NP_064548.1, residues 406-426): QFARAHPLMF[Trp416Arg]PVRPRHGRPV